The following is an entry in ClinVar:

ClinVar aggregate classification (germline): Pathogenic (1 of 4 stars; one submission).

Conditions:
Familial thoracic aortic aneurysm and aortic dissection (TAAD). Also called: Thoracic aortic aneurysms and dissections. Identifiers: Orphanet 91387, MedGen C4707243, MONDO:0019625.
Marfan syndrome (MFS). Also called: MARFAN SYNDROME, TYPE I; Marfan syndrome type 1; Marfan's syndrome; Marfan syndrome, classic; FBN1-Related Marfan Syndrome. Identifiers: Orphanet 284963, Orphanet 558, MedGen C0024796, MONDO:0007947, OMIM 154700.

Submission:

Labcorp Genetics (formerly Invitae), Labcorp
Classification: Pathogenic for Marfan syndrome; Familial thoracic aortic aneurysm and aortic dissection. Last evaluated: 2026-01-19. Review status: criteria provided, single submitter. Criteria: Invitae Variant Classification Sherloc (09022015). Collection method: clinical testing. Allele origin: germline.
Comment: This sequence change creates a premature translational stop signal (p.Ala1728*) in the FBN1 gene. It is expected to result in an absent or disrupted protein product. Loss-of-function variants in FBN1 are known to be pathogenic (PMID: 17657824, 19293843). Information on the frequency of this variant in the gnomAD database is not available, as this variant may be reported differently in the database. This variant has not been reported in the literature in individuals affected with FBN1-related conditions. ClinVar contains an entry for this variant (Variation ID: 2115814). For these reasons, this variant has been classified as Pathogenic.

Literature cited by the submitters: PubMed 17657824; PubMed 19293843.

NM_000138.5(FBN1):c.5182_5183delinsTA (p.Ala1728Ter)

Gene: FBN1 (fibrillin 1; minus strand). Cytogenetic location: 15q21.1.
Variant type: Indel.
Coding change: c.5182_5183delinsTA on transcript NM_000138.5 (MANE Select); coding-DNA positions 5182 to 5183, GC replaced by TA.
Protein change: p.Ala1728Ter; replaces alanine 1728 with a stop codon.
Molecular consequence: nonsense.
Genome position (GRCh38, 1-based): chr15:48,463,123-48,463,124, GC replaced by TA on the plus strand (GC replaced by TA on the coding strand, the reverse complement: FBN1 is on the minus strand). VCF-style: chr15-48463123-GC-TA. GRCh37 (hg19) VCF-style: chr15-48755320-GC-TA.
Other names: c.5182_5183delGCinsTA, p.Ala1728Ter (NM_001406716.1); short protein forms A1728*.
Identifiers: ClinVar variation 2115814 (VCV002115814.4), dbSNP rs2505490952, ClinGen allele CA2580089624.